The following is an entry in ClinVar:

NM_006389.5(HYOU1):c.535T>G (p.Phe179Val)

Gene: HYOU1 (hypoxia up-regulated 1; minus strand). Cytogenetic location: 11q23.3.
Variant type: single nucleotide variant.
Coding change: c.535T>G on transcript NM_006389.5 (MANE Select); coding-DNA position 535, T replaced by G.
Protein change: p.Phe179Val; replaces phenylalanine 179 with valine.
Molecular consequence: missense variant.
Genome position (GRCh38, 1-based): chr11:119,054,637, A>C on the plus strand (T>G on the coding strand, the complement: HYOU1 is on the minus strand). VCF-style: chr11-119054637-A-C. GRCh37 (hg19) VCF-style: chr11-118925349-A-C.
Other names: c.535T>G, p.Phe179Val (NM_001130991.3, NM_001411041.1); short protein forms F179V.
Identifiers: ClinVar variation 4818977 (VCV004818977.2).

ClinVar aggregate classification (germline): Uncertain significance. Review status: criteria provided, multiple submitters, no conflicts (2 of 4 stars). 2 submissions from 2 submitters: Uncertain significance (2). Last evaluated 2025-12-12.

Conditions:
Granulocytopenia with immunoglobulin abnormality. Identifiers: MedGen C1856263, MONDO:0009305, OMIM 233600.

gnomAD v4.1: 1 of 1,613,808 alleles (0.000062%); no homozygotes.

Submissions (2):

Victorian Clinical Genetics Services, Murdoch Childrens Research Institute
Classification: Uncertain significance for Granulocytopenia with immunoglobulin abnormality. Last evaluated: 2025-12-12. Review status: criteria provided, single submitter. Criteria: ACMG Guidelines, 2015. Collection method: clinical testing. Allele origin: germline. Affected: yes.
Comment: This variant is classified as VUS-3B. Evidence in support of pathogenic classification: Variant is present in gnomAD <0.01 for a recessive condition (v4: 1 heterozygote(s), 0 homozygote(s)). Additional information: Variant is predicted to result in a missense amino acid change from Phe to Val; This variant is homozygous; This gene is associated with autosomal recessive disease; This variant has no previous evidence of pathogenicity; No published evidence of segregation with disease has been identified for this variant; No published functional evidence has been identified for this variant; No comparable missense variants have previous evidence for pathogenicity; Variant is located in the annotated hsp70 protein domain (DECIPHER); Missense variant with inconclusive in silico prediction and/or uninformative conservation; Loss of function is a likely mechanism of disease in this gene and is associated with immunodeficiency 59 and hypoglycemia (MIM#233600).

Blueprint Genetics
Classification: Uncertain significance. Last evaluated: 2024-03-26. Review status: criteria provided, single submitter. Criteria: ACMG Guidelines, 2015. Collection method: clinical testing. Allele origin: germline.